The following is an entry in ClinVar:

ClinVar aggregate classification (germline): Uncertain significance (0 of 4 stars; one submission).

Conditions:
PLXNA3-related disorder. Also called: PLXNA3-related condition.

Submission:

PreventionGenetics, part of Exact Sciences
Classification: Uncertain significance for PLXNA3-related condition. Last evaluated: 2024-06-06. Review status: no assertion criteria provided. Collection method: clinical testing. Allele origin: germline.
Comment: The PLXNA3 c.3668G>C variant is predicted to result in the amino acid substitution p.Gly1223Ala. To our knowledge, this variant has not been reported in the literature or in a large population database, indicating this variant is rare. At this time, the clinical significance of this variant is uncertain due to the absence of conclusive functional and genetic evidence.

NM_017514.5(PLXNA3):c.3668G>C (p.Gly1223Ala)

Gene: PLXNA3 (plexin A3; plus strand). Cytogenetic location: Xq28.
Variant type: single nucleotide variant.
Coding change: c.3668G>C on transcript NM_017514.5 (MANE Select); coding-DNA position 3668, G replaced by C.
Protein change: p.Gly1223Ala; replaces glycine 1223 with alanine.
Molecular consequence: missense variant.
Genome position (GRCh38, 1-based): chrX:154,467,849, G>C. VCF-style: chrX-154467849-G-C. GRCh37 (hg19) VCF-style: chrX-153696192-G-C.
Other names: short protein forms G1223A.
Identifiers: ClinVar variation 3345302 (VCV003345302.1).
Genomic context (GRCh38, chrX:154,467,849, plus strand): 5'-TCTGGCTGGGCACCCTGCACATCTCGGCAGAGCGGGCGCTGACCCTACCGGCCATGATGG[G>C]GCTGGCGGCGGGGGGTGGGCTCCTGCTGCTGGCCATCACAGCCGTGCTGGTGGCCTACAA-3'
Protein context (NP_059984.3, residues 1213-1233): ERALTLPAMM[Gly1223Ala]LAAGGGLLLL